The following is an entry in ClinVar:

NM_001267550.2(TTN):c.25921+4A>G

Gene: TTN (titin; minus strand). Cytogenetic location: 2q31.2.
Variant type: single nucleotide variant.
Coding change: c.25921+4A>G on transcript NM_001267550.2 (MANE Select); 4 bases into the intron after coding-DNA position 25921, A replaced by G.
Molecular consequence: intron variant.
Genome position (GRCh38, 1-based): chr2:178,715,489, T>C on the plus strand (A>G on the coding strand, the complement: TTN is on the minus strand). VCF-style: chr2-178715489-T-C. GRCh37 (hg19) VCF-style: chr2-179580216-T-C.
Other names: c.13282+22593A>G (NM_003319.4); c.13858+22593A>G (NM_133437.4); c.13657+22593A>G (NM_133432.3); c.22189+4A>G (NM_133378.4); c.24970+4A>G (NM_001256850.1).
Identifiers: ClinVar variation 3753481 (VCV003753481.2).

ClinVar aggregate classification (germline): Uncertain significance (1 of 4 stars; one submission).

Conditions:
Autosomal recessive limb-girdle muscular dystrophy type 2J (LGMDR10). Also called: Limb-girdle muscular dystrophy, type 2J; MUSCULAR DYSTROPHY, LIMB-GIRDLE, AUTOSOMAL RECESSIVE 10. Identifiers: Orphanet 140922, MedGen C1837342, MONDO:0012127, OMIM 608807.
Dilated cardiomyopathy 1G (CMD1G). Identifiers: Orphanet 154, MedGen C1858763, MONDO:0011400, OMIM 604145.

Submission:

Labcorp Genetics (formerly Invitae), Labcorp
Classification: Uncertain significance for Dilated cardiomyopathy 1G; Autosomal recessive limb-girdle muscular dystrophy type 2J. Last evaluated: 2024-06-24. Review status: criteria provided, single submitter. Criteria: Invitae Variant Classification Sherloc (09022015). Collection method: clinical testing. Allele origin: germline.
Comment: This sequence change falls in intron 89 of the TTN gene. It does not directly change the encoded amino acid sequence of the TTN protein. It affects a nucleotide within the consensus splice site. This variant is not present in population databases (gnomAD no frequency). This variant has not been reported in the literature in individuals affected with TTN-related conditions. Variants that disrupt the consensus splice site are a relatively common cause of aberrant splicing (PMID: 17576681, 9536098). Algorithms developed to predict the effect of sequence changes on RNA splicing suggest that this variant may disrupt the consensus splice site. This variant is located in the I band of TTN (PMID: 25589632). Non-truncating variants in this region may be clinically relevant, but have not been definitively shown to cause cardiomyopathy or neuromuscular disease (PMID: 27493940, 32778822). In summary, the available evidence is currently insufficient to determine the role of this variant in disease. Therefore, it has been classified as a Variant of Uncertain Significance.

Literature cited by the submitters: PubMed 17576681; PubMed 9536098; PubMed 25589632; PubMed 27493940; PubMed 32778822.